The following is an entry in ClinVar:

ClinVar aggregate classification (germline): Uncertain significance (1 of 4 stars; one submission).

Submission:

GeneDx
Classification: Uncertain significance. Last evaluated: 2023-11-13. Review status: criteria provided, single submitter. Criteria: GeneDx Variant Classification Process June 2021. Collection method: clinical testing. Allele origin: germline. Affected: yes.
Comment: Not observed at significant frequency in large population cohorts (gnomAD); Frameshift variant predicted to result in abnormal protein length as the last 5 amino acids are replaced with 65 different amino acids; Has not been previously published as pathogenic or benign to our knowledge; Reported using an alternate transcript of the gene

NM_024757.5(EHMT1):c.2382+1735dup

Genes: EHMT1 (euchromatic histone lysine methyltransferase 1; plus strand), LOC651337 (uncharacterized LOC651337; minus strand). Cytogenetic location: 9q34.3.
Variant type: Duplication.
Coding change: c.2382+1735dup on transcript NM_024757.5 (MANE Select); 1735 bases into the intron after coding-DNA position 2382, one base duplicated (G; older notation c.2382+1735dupG).
Molecular consequence: intron variant. On other transcripts: non-coding transcript variant (1), frameshift variant (1).
Genome position (GRCh38, 1-based): chr9:137,784,132, G duplicated. VCF-style (leftmost placement, unchanged base first): chr9-137784131-C-CG. GRCh37 (hg19) VCF-style: chr9-140678583-C-CG.
Other names: c.2409dup, p.Arg804fs (NM_001145527.2); c.2361+1735dup (NM_001354263.2); c.2289+1735dup (NM_001354259.2); short protein forms R804fs.
Identifiers: ClinVar variation 3364148 (VCV003364148.1).